The following is an entry in ClinVar:

NM_021619.3(PRDM12):c.1007C>T (p.Ala336Val)

Gene: PRDM12 (PR/SET domain 12; plus strand). Cytogenetic location: 9q34.12.
Variant type: single nucleotide variant.
Coding change: c.1007C>T on transcript NM_021619.3 (MANE Select); coding-DNA position 1007, C replaced by T.
Protein change: p.Ala336Val; replaces alanine 336 with valine.
Molecular consequence: missense variant.
Genome position (GRCh38, 1-based): chr9:130,681,572, C>T. VCF-style: chr9-130681572-C-T. GRCh37 (hg19) VCF-style: chr9-133556959-C-T.
Other names: short protein forms A336V.
Identifiers: ClinVar variation 2177808 (VCV002177808.4), dbSNP rs2490750661, ClinGen allele CA375245166.
Genomic context (GRCh38, chr9:130,681,572, plus strand): 5'-CCCACCAGAAGAGCGCGCGGCACCGGCCGCCCAGCACCGCGCTGCAGGCACACTCGCCCG[C>T]GCTGCCCGCCCCGCACGCGCACGCGCCCGCGCTCGCCGCCGCCGCCGCCGCCGCCGCCGC-3'
Protein context (NP_067632.2, residues 326-346): PSTALQAHSP[Ala336Val]LPAPHAHAPA

ClinVar aggregate classification (germline): Uncertain significance (1 of 4 stars; one submission).

Conditions:
Congenital insensitivity to pain-hypohidrosis syndrome. Also called: HSAN VIII; Neuropathy, hereditary sensory and autonomic, type VIII. Identifiers: Orphanet 478664, MedGen C4225308, MONDO:0014662, OMIM 616488.

Submission:

Labcorp Genetics (formerly Invitae), Labcorp
Classification: Uncertain significance for Congenital insensitivity to pain-hypohidrosis syndrome. Last evaluated: 2022-07-17. Review status: criteria provided, single submitter. Criteria: Invitae Variant Classification Sherloc (09022015). Collection method: clinical testing. Allele origin: germline.
Comment: In summary, the available evidence is currently insufficient to determine the role of this variant in disease. Therefore, it has been classified as a Variant of Uncertain Significance. This sequence change replaces alanine, which is neutral and non-polar, with valine, which is neutral and non-polar, at codon 336 of the PRDM12 protein (p.Ala336Val). The frequency data for this variant in the population databases is considered unreliable, as metrics indicate insufficient coverage at this position in the gnomAD database. This variant has not been reported in the literature in individuals affected with PRDM12-related conditions. Algorithms developed to predict the effect of missense changes on protein structure and function are either unavailable or do not agree on the potential impact of this missense change (SIFT: "Tolerated"; PolyPhen-2: "Not Available"; Align-GVGD: "Class C0").